The following is an entry in ClinVar:

NM_016203.4(PRKAG2):c.472G>C (p.Gly158Arg)

Gene: PRKAG2 (protein kinase AMP-activated non-catalytic subunit gamma 2; minus strand). Cytogenetic location: 7q36.1.
Variant type: single nucleotide variant.
Coding change: c.472G>C on transcript NM_016203.4 (MANE Select); coding-DNA position 472, G replaced by C.
Protein change: p.Gly158Arg; replaces glycine 158 with arginine.
Molecular consequence: missense variant. On other transcripts: intron variant (5).
Genome position (GRCh38, 1-based): chr7:151,675,632, C>G on the plus strand (G>C on the coding strand, the complement: PRKAG2 is on the minus strand). VCF-style: chr7-151675632-C-G. GRCh37 (hg19) VCF-style: chr7-151372718-C-G.
Other names: c.340G>C, p.Gly114Arg (NM_001040633.2, NM_001407024.1, NM_001407026.1 and 1 more transcripts); c.100G>C, p.Gly34Arg (NM_001304527.2, NM_001363698.2, NM_001407028.1 and 1 more transcripts); c.472G>C, p.Gly158Arg (NM_001407021.1, NM_001407022.1, NM_001407023.1); c.154G>C, p.Gly52Arg (NM_001407032.1); c.467-80181G>C (NM_001407031.1); c.467-80178G>C (NM_001407030.1); c.361-43494G>C (NM_001407033.1); c.94+60268G>C (NM_001407037.1); and 1 more; short protein forms G114R, G158R, G34R, G52R.
Identifiers: ClinVar variation 4756898 (VCV004756898.1).

ClinVar aggregate classification (germline): Uncertain significance (1 of 4 stars; one submission).

Conditions:
Cardiomyopathy (CMYO). Also called: Cardiomyopathies. Identifiers: Orphanet 167848, MedGen C0878544, MONDO:0004994, HP:0001638. Inheritance: Various modes of inheritance.

gnomAD v4.1: 2 of 1,612,888 alleles (0.00012%); highest among the groups gnomAD compares: Non-Finnish European, 0.00017%; no homozygotes.

Submission:

Color Diagnostics, LLC DBA Color Health
Classification: Uncertain significance for Cardiomyopathy. Last evaluated: 2025-06-17. Review status: criteria provided, single submitter. Criteria: ACMG Guidelines, 2015. Collection method: clinical testing. Allele origin: germline.
Comment: This missense variant replaces glycine with arginine at codon 158 of the PRKAG2 protein. Computational prediction suggests that this variant may not impact protein structure and function. To our knowledge, functional studies have not been reported for this variant. This variant has not been reported in individuals affected with PRKAG2-related disorders in the literature. This variant has been identified in 1/31372 chromosomes in the general population by the Genome Aggregation Database (gnomAD). The available evidence is insufficient to determine the role of this variant in disease conclusively. Therefore, this variant is classified as a Variant of Uncertain Significance.